The following is an entry in ClinVar:

ClinVar aggregate classification (germline): Uncertain significance. Review status: criteria provided, multiple submitters, no conflicts (2 of 4 stars). 2 submissions from 2 submitters: Uncertain significance (2). Last evaluated 2026-07-03.

Conditions:
Inborn genetic diseases. Identifiers: MedGen C0950123, MeSH D030342.

gnomAD v4.1: 1 of 1,566,306 alleles (0.000064%); highest among the groups gnomAD compares: Non-Finnish European, 0.000086%; no homozygotes.

Submissions (2):

GeneDx
Classification: Uncertain significance. Last evaluated: 2026-07-03. Review status: criteria provided, single submitter. Criteria: GeneDx Variant Classification Process June 2021. Collection method: clinical testing. Allele origin: germline.
Comment: Not observed at significant frequency in large population cohorts (gnomAD); In silico analysis suggests that this missense variant does not alter protein structure/function; Has not been previously published as pathogenic or benign to our knowledge

Ambry Genetics
Classification: Uncertain significance for Inborn genetic diseases. Last evaluated: 2025-04-28. Review status: criteria provided, single submitter. Criteria: Ambry Variant Classification Scheme 2023. Collection method: clinical testing. Allele origin: germline.
Comment: The p.K114T variant (also known as c.341A>C), located in coding exon 1 of the KDM1A gene, results from an A to C substitution at nucleotide position 341. The lysine at codon 114 is replaced by threonine, an amino acid with similar properties. This amino acid position is conserved. In addition, this alteration is predicted to be tolerated by in silico analysis. Based on the available evidence, the clinical significance of this variant remains unclear.

NM_001009999.3(KDM1A):c.341A>C (p.Lys114Thr)

Gene: KDM1A (lysine demethylase 1A; plus strand). Cytogenetic location: 1p36.12.
Variant type: single nucleotide variant.
Coding change: c.341A>C on transcript NM_001009999.3 (MANE Select); coding-DNA position 341, A replaced by C.
Protein change: p.Lys114Thr; replaces lysine 114 with threonine.
Molecular consequence: missense variant.
Genome position (GRCh38, 1-based): chr1:23,019,937, A>C. VCF-style: chr1-23019937-A-C. GRCh37 (hg19) VCF-style: chr1-23346430-A-C.
Other names: c.341A>C, p.Lys114Thr (NM_001363654.2, NM_001410762.1, NM_001410763.1 and 1 more transcripts); short protein forms K114T.
Identifiers: ClinVar variation 3392825 (VCV003392825.3).
Genomic context (GRCh38, chr1:23,019,937, plus strand): 5'-CGACCCCCATGGAAACTGGAATAGCAGAGACTCCGGAGGGGCGTCGGACCAGCCGGCGCA[A>C]GCGGGCGAAGGTAAGGCTCGACCCTTCCCTCAAACGACACCGCCTGGTGCCGAGCTTCCC-3'
Protein context (NP_001009999.1, residues 104-124): TPEGRRTSRR[Lys114Thr]RAKVEYREMD